The following is an entry in ClinVar:

NM_144658.4(DOCK11):c.3995T>C (p.Ile1332Thr)

Gene: DOCK11 (dedicator of cytokinesis 11; plus strand). Cytogenetic location: Xq24.
Variant type: single nucleotide variant.
Coding change: c.3995T>C on transcript NM_144658.4 (MANE Select); coding-DNA position 3995, T replaced by C.
Protein change: p.Ile1332Thr; replaces isoleucine 1332 with threonine.
Molecular consequence: missense variant.
Genome position (GRCh38, 1-based): chrX:118,638,121, T>C. VCF-style: chrX-118638121-T-C. GRCh37 (hg19) VCF-style: chrX-117772084-T-C.
Other names: short protein forms I1332T.
Identifiers: ClinVar variation 4981915 (VCV004981915.1).

ClinVar aggregate classification (germline): Likely benign (1 of 4 stars; one submission).

Conditions:
DOCK11-related disorder. Also called: DOCK11-related condition.

gnomAD v4.1: 308 of 1,205,442 alleles (0.026%); highest among the groups gnomAD compares: African/African-American, 0.42%; no homozygotes.

Submission:

PreventionGenetics, part of Exact Sciences
Classification: Likely benign for DOCK11-related condition. Last evaluated: 2024-12-02. Review status: criteria provided, single submitter. Criteria: ACMG Guidelines, 2015. Collection method: clinical testing. Allele origin: germline.
Comment: This variant is classified as likely benign based on ACMG/AMP sequence variant interpretation guidelines (Richards et al. 2015 PMID: 25741868, with internal and published modifications).